The following is an entry in ClinVar:

NM_005677.4(COLQ):c.1244A>G (p.Glu415Gly)

Gene: COLQ (collagen like tail subunit of asymmetric acetylcholinesterase; minus strand). Cytogenetic location: 3p25.1.
Variant type: single nucleotide variant.
Coding change: c.1244A>G on transcript NM_005677.4 (MANE Select); coding-DNA position 1244, A replaced by G.
Protein change: p.Glu415Gly; replaces glutamic acid 415 with glycine.
Molecular consequence: missense variant.
Genome position (GRCh38, 1-based): chr3:15,453,883, T>C on the plus strand (A>G on the coding strand, the complement: COLQ is on the minus strand). VCF-style: chr3-15453883-T-C. GRCh37 (hg19) VCF-style: chr3-15495390-T-C.
Other names: c.1214A>G, p.Glu405Gly (NM_080538.2); c.1142A>G, p.Glu381Gly (NM_080539.4); short protein forms E381G, E405G, E415G.
Identifiers: ClinVar variation 4855604 (VCV004855604.1).

ClinVar aggregate classification (germline): Likely pathogenic (1 of 4 stars; one submission).

Conditions:
Congenital myasthenic syndrome 5. Identifiers: Orphanet 590, MedGen C1864233, MONDO:0011281, OMIM 603034.

gnomAD v4.1: 2 of 1,612,110 alleles (0.00012%); highest among the groups gnomAD compares: Non-Finnish European, 0.00017%; no homozygotes.

Submission:

3billion
Classification: Likely pathogenic for Congenital myasthenic syndrome 5. Last evaluated: 2025-05-30. Review status: criteria provided, single submitter. Criteria: ACMG Guidelines, 2015. Collection method: clinical testing. Allele origin: germline. Affected: yes.
Comment: The variant is observed at an extremely low frequency in the gnomAD v4.1.0 dataset (total allele frequency: <0.001%). Predicted Consequence/Location: Missense variant. The majority of the known disease-causing variants of this gene are variants expected to result in premature termination of the protein. In silico tool predictions suggest damaging effect of the variant on gene or gene product [REVEL: 0.92 (>=0.6, sensitivity 0.68 and specificity 0.92)]. The same nucleotide change resulting in the same amino acid change has been previously reported to be associated with COLQ-related disorder (PMID: 14702351). The variant has been reported to be in trans with a pathogenic variant as either compound heterozygous or homozygous in at least one similarly affected unrelated individual (3billion dataset). Therefore, this variant is classified as Likely pathogenic according to the recommendation of ACMG/AMP guideline.

Literature cited by the submitters: PubMed 14702351.